The following is an entry in ClinVar:

NM_004046.6(ATP5F1A):c.1222A>G (p.Ile408Val)

Gene: ATP5F1A (ATP synthase F1 subunit alpha; minus strand). Cytogenetic location: 18q21.1.
Variant type: single nucleotide variant.
Coding change: c.1222A>G on transcript NM_004046.6 (MANE Select); coding-DNA position 1222, A replaced by G.
Protein change: p.Ile408Val; replaces isoleucine 408 with valine.
Molecular consequence: missense variant.
Genome position (GRCh38, 1-based): chr18:46,086,449, T>C on the plus strand (A>G on the coding strand, the complement: ATP5F1A is on the minus strand). VCF-style: chr18-46086449-T-C. GRCh37 (hg19) VCF-style: chr18-43666415-T-C.
Other names: c.1072A>G, p.Ile358Val (NM_001001935.3, NM_001257335.2); c.1222A>G, p.Ile408Val (NM_001001937.2); c.1156A>G, p.Ile386Val (NM_001257334.2); short protein forms I408V, I386V, I358V.
Identifiers: ClinVar variation 4693425 (VCV004693425.3).
Genomic context (GRCh38, chr18:46,086,449, plus strand): 5'-GCTTCATAGCCCTGGTTTGGGCAGCGGATCCGACACGAGATACAGACAGACCAACGTTAA[T>C]TGCAGGGCGGATACCTTTGTAGAACAATTCTGTTTCCAAGAAGATCTATAATGTAAGGAA-3'
Protein context (NP_004037.1, residues 398-418): ELFYKGIRPA[Ile408Val]NVGLSVSRVG

ClinVar aggregate classification (germline): Uncertain significance. Review status: criteria provided, multiple submitters, no conflicts (2 of 4 stars). 2 submissions from 2 submitters: Uncertain significance (2). Last evaluated 2025-11-25.

gnomAD v4.1: 11 of 1,614,062 alleles (0.00068%); highest among the groups gnomAD compares: Admixed American, 0.0017%; no homozygotes.

Submissions (2):

Labcorp Genetics (formerly Invitae), Labcorp
Classification: Uncertain significance. Last evaluated: 2025-11-25. Review status: criteria provided, single submitter. Criteria: Invitae Variant Classification Sherloc (09022015). Collection method: clinical testing. Allele origin: germline.
Comment: This sequence change replaces isoleucine, which is neutral and non-polar, with valine, which is neutral and non-polar, at codon 408 of the ATP5A1 protein (p.Ile408Val). This variant is present in population databases (no rsID available, gnomAD 0.002%). This variant has not been reported in the literature in individuals affected with ATP5A1-related conditions. Invitae Evidence Modeling of protein sequence and biophysical properties (such as structural, functional, and spatial information, amino acid conservation, physicochemical variation, residue mobility, and thermodynamic stability) indicates that this missense variant is not expected to disrupt ATP5A1 protein function with a negative predictive value of 80%. In summary, the available evidence is currently insufficient to determine the role of this variant in disease. Therefore, it has been classified as a Variant of Uncertain Significance.

Dasa
Classification: Uncertain significance. Last evaluated: 2025-10-25. Review status: criteria provided, single submitter. Criteria: DASA Assertion Criteria. Collection method: clinical testing. Allele origin: germline.
Comment: NM_004046.6(ATP5F1A):c.1222A>G (p.Ile408Val) is a missense variant that results in the substitution of isoleucine with valine. This variant is rare in population databases. The currently available literature and clinical evidence are not sufficient to establish a definitive association between this variant and the reported condition. Therefore, this variant is classified as a variant of uncertain significance.